The following is an entry in ClinVar:

NM_001110556.2(FLNA):c.734A>C (p.Glu245Ala)

Gene: FLNA (filamin A; minus strand). Cytogenetic location: Xq28.
Variant type: single nucleotide variant.
Coding change: c.734A>C on transcript NM_001110556.2 (MANE Select); coding-DNA position 734, A replaced by C.
Protein change: p.Glu245Ala; replaces glutamic acid 245 with alanine.
Molecular consequence: missense variant.
Genome position (GRCh38, 1-based): chrX:154,367,531, T>G on the plus strand (A>C on the coding strand, the complement: FLNA is on the minus strand). VCF-style: chrX-154367531-T-G. GRCh37 (hg19) VCF-style: chrX-153595899-T-G.
Other names: c.734A>C, p.Glu245Ala (NM_001456.4); short protein forms E245A.
Identifiers: ClinVar variation 5020592 (VCV005020592.1).
Genomic context (GRCh38, chrX:154,367,531, plus strand): 5'-GGGAACTGGGACAGGTAGGTCATGACAGAGTGCTCGTCCACGTTGGGGTCCACAATCTCC[T>G]CGGGGGTGATCACCTGTCACAGGCAGAAAACAGGAGCCATCGGGCCTCCGAGTCTCTCCC-3'
Protein context (NP_001104026.1, residues 235-255): WLGIPQVITP[Glu245Ala]EIVDPNVDEH

ClinVar aggregate classification (germline): Uncertain significance (1 of 4 stars; one submission).

Submission:

Dasa
Classification: Uncertain significance. Last evaluated: 2026-05-08. Review status: criteria provided, single submitter. Criteria: DASA Assertion Criteria. Collection method: clinical testing. Allele origin: germline.
Comment: NM_001110556.2(FLNA):c.734A>C (p.Glu245Ala) is a missense variant that results in the substitution of glutamic acid with alanine. The affected residue or protein region has prior evidence supporting clinical relevance. This variant is rare in population databases. Computational prediction algorithms are consistent with a deleterious effect. The currently available literature and clinical evidence are not sufficient to establish a definitive association between this variant and the reported condition. Therefore, this variant is classified as a variant of uncertain significance.